The following is an entry in ClinVar:

ClinVar aggregate classification (germline): Uncertain significance (1 of 4 stars; one submission).

Submission:

Labcorp Genetics (formerly Invitae), Labcorp
Classification: Uncertain significance. Last evaluated: 2019-09-23. Review status: criteria provided, single submitter. Criteria: Invitae Variant Classification Sherloc (09022015). Collection method: clinical testing. Allele origin: germline.
Comment: This variant results in a copy number gain of the genomic region encompassing the full coding sequence of the PEX11B gene. The boundaries of this event are unknown as they extend beyond the assayed region for this gene and therefore may encompass additional genes. As the precise location of this event is unknown, it may be in tandem or it may be located elsewhere in the genome. This variant has not been reported in the literature in individuals with PEX11B-related conditions. In summary, the available evidence is currently insufficient to determine the role of this variant in disease. Therefore, it has been classified as a Variant of Uncertain Significance.

NC_000001.10:g.(?_145498103)_(145567095_?)dup

Genes: ANKRD35 (ankyrin repeat domain 35; minus strand), ITGA10 (integrin subunit alpha 10; minus strand), LIX1L (limb and CNS expressed 1 like; minus strand), PEX11B (peroxisomal biogenesis factor 11 beta; minus strand), RBM8A (RNA binding motif protein 8A; minus strand). Cytogenetic location: 1q21.1.
Variant type: Duplication.
Identifiers: ClinVar variation 831569 (VCV000831569.1).